The following is an entry in ClinVar:

NM_001367868.2(PLIN4):c.3180C>T (p.Pro1060=)

Gene: PLIN4 (perilipin 4; minus strand). Cytogenetic location: 19p13.3.
Variant type: single nucleotide variant.
Coding change: c.3180C>T on transcript NM_001367868.2 (MANE Select); coding-DNA position 3180, C replaced by T.
Protein change: p.Pro1060=; no amino-acid change (proline 1060 retained).
Molecular consequence: synonymous variant.
Genome position (GRCh38, 1-based): chr19:4,510,780, G>A on the plus strand (C>T on the coding strand, the complement: PLIN4 is on the minus strand). VCF-style: chr19-4510780-G-A. GRCh37 (hg19) VCF-style: chr19-4510792-G-A.
Other names: c.3183C>T, p.Pro1061= (NM_001393888.1, NM_001393889.1); c.3180C>T, p.Pro1060= (NM_001393890.1, NM_001393891.1).
Identifiers: ClinVar variation 2649039 (VCV002649039.24), dbSNP rs144380069, ClinGen allele CA9099761.
Genomic context (GRCh38, chr19:4,510,780, plus strand): 5'-AGTCTGCTCCCCACCATTGTCTGTGGTCCTGGAACTGGTGAGTCCACCCCAGGAGGTGGC[G>A]GGGGTACTAGGTAACCAGTTCTGGAAGGTGCTGAGGCCAGTGTGGGTGGCCCCTGTCGCC-3'
Protein context (NP_001354797.1, residues 1050-1070): STFQNWLPST[Pro1060=]ATSWGGLTSS

ClinVar aggregate classification (germline): Likely benign (1 of 4 stars; one submission).

Allele frequency attached by ClinVar (database versions not stated): 1000 Genomes Project 30x 0.00312; 1000 Genomes Project 0.00319; TOPMed 0.00422; gnomAD 0.00424; ESP Exome Variant Server 0.00476; ExAC 0.00537; gnomAD exomes 0.00738.

Submission:

CeGaT Center for Human Genetics Tuebingen
Classification: Likely benign. Last evaluated: 2025-07-01. Review status: criteria provided, single submitter. Criteria: CeGaT Center For Human Genetics Tuebingen Variant Classification Criteria Version 2. Collection method: clinical testing. Allele origin: germline. Affected: yes. Observed: 3 variant alleles.
Comment: PLIN4: BP4, BP7, BS2